The following is an entry in ClinVar:

ClinVar aggregate classification (germline): Uncertain significance (1 of 4 stars; one submission).

Conditions:
Hereditary cancer-predisposing syndrome. Also called: Neoplastic Syndromes, Hereditary; Tumor predisposition; Hereditary neoplastic syndrome; Hereditary Cancer Syndrome. Identifiers: Orphanet 140162, MedGen C0027672, MeSH D009386, MONDO:0015356.

Submission:

Ambry Genetics
Classification: Uncertain significance for Hereditary cancer-predisposing syndrome. Last evaluated: 2026-07-07. Review status: criteria provided, single submitter. Criteria: Ambry Variant Classification Scheme 2023. Collection method: clinical testing. Allele origin: germline.
Comment: The p.S146Y variant (also known as c.437C>A), located in coding exon 3 of the SMARCA4 gene, results from a C to A substitution at nucleotide position 437. The serine at codon 146 is replaced by tyrosine, an amino acid with dissimilar properties. This amino acid position is conserved. In addition, the in silico prediction for this alteration is inconclusive. Based on the available evidence, the clinical significance of this variant remains unclear.

NM_003072.5(SMARCA4):c.437C>A (p.Ser146Tyr)

Gene: SMARCA4 (SWI/SNF related BAF chromatin remodeling complex subunit ATPase 4; plus strand). Cytogenetic location: 19p13.2.
Variant type: single nucleotide variant.
Coding change: c.437C>A on transcript NM_003072.5 (MANE Select); coding-DNA position 437, C replaced by A.
Protein change: p.Ser146Tyr; replaces serine 146 with tyrosine.
Molecular consequence: missense variant. On other transcripts: non-coding transcript variant (1).
Genome position (GRCh38, 1-based): chr19:10,986,270, C>A. VCF-style: chr19-10986270-C-A. GRCh37 (hg19) VCF-style: chr19-11096946-C-A.
Other names: c.437C>A, p.Ser146Tyr (NM_001128844.3, NM_001128845.2, NM_001128846.2 and 6 more transcripts); short protein forms S146Y.
Identifiers: ClinVar variation 5029852 (VCV005029852.1).